The following is an entry in ClinVar:

ClinVar aggregate classification (germline): Pathogenic (1 of 4 stars; one submission).

Submission:

ARUP Laboratories, Molecular Genetics and Genomics, ARUP Laboratories
Classification: Pathogenic. Last evaluated: 2019-02-14. Review status: criteria provided, single submitter. Criteria: ARUP Molecular Germline Variant Investigation Process. Collection method: clinical testing. Allele origin: germline.
Comment: The NF1 c.1532delC; p.Pro511fs variant, to our knowledge, is not reported in the medical literature or in gene-specific databases. It is also absent from general population databases (Exome Variant Server and Genome Aggregation Database), indicating it is not a common polymorphism. This variant causes a frameshift by deleting a single nucleotide, so it is predicted to result in a truncated protein or mRNA subject to nonsense-mediated decay. Additionally, several downstream truncating variants have been described in individuals affected with neurofibromatosis type I and are considered pathogenic (Bianchessi 2015, Fahsold 2000, Sabbagh 2013). Based on available information, the p.Pro511fs variant is considered pathogenic. REFERENCES Bianchessi D et al. 126 novel mutations in Italian patients with neurofibromatosis type 1. Mol Genet Genomic Med. 2015 Jul 7;3(6):513-25. Fahsold R et al. Minor lesion mutational spectrum of the entire NF1 gene does not explain its high mutability but points to a functional domain upstream of the GAP-related domain. Am J Hum Genet. 2000 Mar;66(3):790-818. Sabbagh A et al. NF1 molecular characterization and neurofibromatosis type I genotype-phenotype correlation: the French experience. Hum Mutat. 2013 Nov;34(11):1510-8.

NM_001042492.3(NF1):c.1532del (p.Pro511fs)

Gene: NF1 (neurofibromin 1; plus strand). Cytogenetic location: 17q11.2.
Variant type: Deletion.
Coding change: c.1532del on transcript NM_001042492.3 (MANE Select); coding-DNA position 1532, one base deleted (C; older notation c.1532delC).
Protein change: p.Pro511fs; shifts the reading frame from proline 511.
Molecular consequence: frameshift variant.
Genome position (GRCh38, 1-based): chr17:31,219,009, C deleted; the last of 2 consecutive C bases (chr17:31,219,008-31,219,009); deleting either gives the same sequence. VCF-style (leftmost placement, unchanged base first): chr17-31219007-TC-T. GRCh37 (hg19) VCF-style: chr17-29546025-TC-T.
Other names: c.1532delC, p.Pro511Glnfs (NM_000267.4); c.1532del, p.Pro511fs (NM_001128147.3); short protein forms P511fs.
Identifiers: ClinVar variation 811921 (VCV000811921.8), dbSNP rs1597703352, ClinGen allele CA915949699.